The following is an entry in ClinVar:

ClinVar aggregate classification (germline): Conflicting classifications of pathogenicity. Review status: criteria provided, conflicting classifications (1 of 4 stars). 2 submissions from 2 submitters: Uncertain significance (1); Likely benign (1). Last evaluated 2024-05-17.

Conditions:
Hereditary cancer-predisposing syndrome. Also called: Tumor predisposition; Hereditary Cancer Syndrome; Hereditary neoplastic syndrome; Neoplastic Syndromes, Hereditary. Identifiers: Orphanet 140162, MedGen C0027672, MeSH D009386, MONDO:0015356.

Submissions (2):

Ambry Genetics
Classification: Uncertain significance for Hereditary cancer-predisposing syndrome. Last evaluated: 2024-05-17. Review status: criteria provided, single submitter. Criteria: Ambry Variant Classification Scheme 2023. Collection method: clinical testing. Allele origin: germline.
Comment: The c.139+5C>T intronic variant results from a C to T substitution 5 nucleotides after coding exon 1 in the NTHL1 gene. This nucleotide position is highly conserved in available vertebrate species. In silico splice site analysis predicts that this alteration will not have any significant effect on splicing. Based on the available evidence, the clinical significance of this variant remains unclear.

Labcorp Genetics (formerly Invitae), Labcorp
Classification: Likely benign. Last evaluated: 2022-08-23. Review status: criteria provided, single submitter. Criteria: Invitae Variant Classification Sherloc (09022015). Collection method: clinical testing. Allele origin: germline.

NM_002528.7(NTHL1):c.115+5C>T

Gene: NTHL1 (nth like DNA glycosylase 1; minus strand). Cytogenetic location: 16p13.3.
Variant type: single nucleotide variant.
Coding change: c.115+5C>T on transcript NM_002528.7 (MANE Select); 5 bases into the intron after coding-DNA position 115, C replaced by T.
Molecular consequence: intron variant.
Genome position (GRCh38, 1-based): chr16:2,047,704, G>A on the plus strand (C>T on the coding strand, the complement: NTHL1 is on the minus strand). VCF-style: chr16-2047704-G-A. GRCh37 (hg19) VCF-style: chr16-2097705-G-A.
Other names: c.-64+5C>T (NM_001318194.2); c.115+5C>T (NM_001318193.2); c.139+5C>T (NM_002528.5).
Identifiers: ClinVar variation 1968881 (VCV001968881.6), dbSNP rs2084512563, ClinGen allele CA2580090658.